The following is an entry in ClinVar:

NM_000179.3(MSH6):c.435A>G (p.Lys145=)

Gene: MSH6 (mutS homolog 6; plus strand). Cytogenetic location: 2p16.3.
Variant type: single nucleotide variant.
Coding change: c.435A>G on transcript NM_000179.3 (MANE Select); coding-DNA position 435, A replaced by G.
Protein change: p.Lys145=; no amino-acid change (lysine 145 retained).
Molecular consequence: synonymous variant. On other transcripts: 5 prime UTR variant (7), non-coding transcript variant (5), intron variant (6).
Genome position (GRCh38, 1-based): chr2:47,791,101, A>G. VCF-style: chr2-47791101-A-G. GRCh37 (hg19) VCF-style: chr2-48018240-A-G.
Other names: c.-302A>G (NM_001281493.2, NM_001406811.1, NM_001406823.1 and 1 more transcripts); c.-468A>G (NM_001281494.2); c.531A>G, p.Lys177= (NM_001406795.1, NM_001406802.1); c.435A>G, p.Lys145= (NM_001406796.1, NM_001406798.1, NM_001406800.1 and 6 more transcripts); c.138A>G, p.Lys46= (NM_001406797.1, NM_001406801.1, NM_001406805.1 and 10 more transcripts); c.357A>G, p.Lys119= (NM_001406804.1); c.-494A>G (NM_001406807.1); c.-560A>G (NM_001406814.1); and 5 more.
Identifiers: ClinVar variation 3903925 (VCV003903925.1).
Genomic context (GRCh38, chr2:47,791,101, plus strand): 5'-ATCAGTCCGTGTTCATGTACAGTTTTTTGATGACAGCCCAACAAGGGGCTGGGTTAGCAA[A>G]AGGCTTTTAAAGCCATATACAGGTAAGAGTCACTACTGCCATGTGTGTGTGTTTGTGTGT-3'
Protein context (NP_000170.1, residues 135-155): DDSPTRGWVS[Lys145=]RLLKPYTGSK

ClinVar aggregate classification (germline): Benign (1 of 4 stars; one submission).

Conditions:
Lynch syndrome 5 (LYNCH5). Also called: Colorectal cancer, hereditary nonpolyposis, type 5; Hereditary non-polyposis colorectal cancer, type 5. Identifiers: Orphanet 144, MedGen C1833477, MONDO:0013710, OMIM 614350. Disease mechanism: loss of function.

Submission:

Myriad Genetics, Inc.
Classification: Benign for Lynch syndrome 5. Last evaluated: 2024-12-18. Review status: criteria provided, single submitter. Criteria: Myriad Autosomal Dominant, Autosomal Recessive and X-Linked Classification Criteria (2023). Collection method: clinical testing. Allele origin: unknown.
Comment: This variant is considered benign. This variant is a silent/synonymous amino acid change and it is not expected to impact splicing.